The following is an entry in ClinVar:

NM_020207.7(ERCC6L2):c.3184C>G (p.Pro1062Ala)

Gene: ERCC6L2 (ERCC excision repair 6 like 2; plus strand). Cytogenetic location: 9q22.32.
Variant type: single nucleotide variant.
Coding change: c.3184C>G on transcript NM_020207.7 (MANE Select); coding-DNA position 3184, C replaced by G.
Protein change: p.Pro1062Ala; replaces proline 1062 with alanine.
Molecular consequence: missense variant. On other transcripts: non-coding transcript variant (1).
Genome position (GRCh38, 1-based): chr9:95,972,935, C>G. VCF-style: chr9-95972935-C-G. GRCh37 (hg19) VCF-style: chr9-98735217-C-G.
Other names: c.3184C>G, p.Pro1062Ala (NM_001375291.1, NM_001375292.1, NM_001375293.1 and 1 more transcripts); short protein forms P1062A.
Identifiers: ClinVar variation 1716981 (VCV001716981.5), dbSNP rs2490560723, ClinGen allele CA2580080738.

ClinVar aggregate classification (germline): Uncertain significance (1 of 4 stars; one submission).

Submission:

Labcorp Genetics (formerly Invitae), Labcorp
Classification: Uncertain significance. Last evaluated: 2024-10-26. Review status: criteria provided, single submitter. Criteria: Invitae Variant Classification Sherloc (09022015). Collection method: clinical testing. Allele origin: germline.
Comment: This sequence change replaces proline, which is neutral and non-polar, with alanine, which is neutral and non-polar, at codon 1073 of the ERCC6L2 protein (p.Pro1073Ala). This variant is not present in population databases (gnomAD no frequency). This variant has not been reported in the literature in individuals affected with ERCC6L2-related conditions. ClinVar contains an entry for this variant (Variation ID: 1716981). Experimental studies and prediction algorithms are not available or were not evaluated, and the functional significance of this variant is currently unknown. In summary, the available evidence is currently insufficient to determine the role of this variant in disease. Therefore, it has been classified as a Variant of Uncertain Significance.